The following is an entry in ClinVar:

NM_001282534.2(KCNK9):c.375C>T (p.Phe125=)

Gene: KCNK9 (potassium two pore domain channel subfamily K member 9; minus strand). Cytogenetic location: 8q24.3.
Variant type: single nucleotide variant.
Coding change: c.375C>T on transcript NM_001282534.2 (MANE Select); coding-DNA position 375, C replaced by T.
Protein change: p.Phe125=; no amino-acid change (phenylalanine 125 retained).
Molecular consequence: synonymous variant. On other transcripts: non-coding transcript variant (1).
Genome position (GRCh38, 1-based): chr8:139,619,008, G>A on the plus strand (C>T on the coding strand, the complement: KCNK9 is on the minus strand). VCF-style: chr8-139619008-G-A. GRCh37 (hg19) VCF-style: chr8-140631251-G-A.
Identifiers: ClinVar variation 710440 (VCV000710440.21), dbSNP rs144282162, ClinGen allele CA4892622.

ClinVar aggregate classification (germline): Benign. Review status: criteria provided, multiple submitters, no conflicts (2 of 4 stars). 5 submissions from 5 submitters: Benign (4). 1 of the submissions does not count toward it. Last evaluated 2026-05-01.

Conditions:
KCNK9-related disorder. Also called: KCNK9-related condition.

Allele frequency attached by ClinVar (database versions not stated): 1000 Genomes Project 0.00040; 1000 Genomes Project 30x 0.00047; gnomAD exomes 0.00065 and 0.00087; gnomAD 0.00075 and 0.00076; TOPMed 0.00075; ESP Exome Variant Server 0.00077; ExAC 0.00086.
gnomAD v4.1: 1,070 of 1,614,232 alleles (0.066%); highest among the groups gnomAD compares: Middle Eastern, 0.13%; 1 homozygote.

Submissions (5):

CeGaT Center for Human Genetics Tuebingen
Classification: Benign. Last evaluated: 2026-05-01. Review status: criteria provided, single submitter. Criteria: CeGaT Center For Human Genetics Tuebingen Variant Classification Criteria Version 2. Collection method: clinical testing. Allele origin: germline. Affected: yes. Observed: 11 variant alleles.
Comment: KCNK9: BP4, BS1, BS2

Blueprint Genetics
Classification: Benign. Last evaluated: 2024-11-21. Review status: criteria provided, single submitter. Criteria: ACMG Guidelines, 2015. Collection method: clinical testing. Allele origin: germline.

Labcorp Genetics (formerly Invitae), Labcorp
Classification: Benign. Last evaluated: 2019-12-31. Review status: criteria provided, single submitter. Criteria: Invitae Variant Classification Sherloc (09022015). Collection method: clinical testing. Allele origin: germline.

Breakthrough Genomics
Classification: Benign. Review status: criteria provided, single submitter. Criteria: ACMG Guidelines, 2015. Collection method: not provided. Allele origin: germline. Inheritance: Unknown mechanism. Affected: yes.

PreventionGenetics, part of Exact Sciences
Classification: Likely benign for KCNK9-related condition. Last evaluated: 2019-08-26. Review status: no assertion criteria provided. Collection method: clinical testing. Allele origin: germline. Not counted in ClinVar's aggregate classification.
Comment: This variant is classified as likely benign based on ACMG/AMP sequence variant interpretation guidelines (Richards et al. 2015 PMID: 25741868, with internal and published modifications).